The following is an entry in ClinVar:

NM_006005.3(WFS1):c.1256T>A (p.Phe419Tyr)

Gene: WFS1 (wolframin ER transmembrane glycoprotein; plus strand). Cytogenetic location: 4p16.1.
Variant type: single nucleotide variant.
Coding change: c.1256T>A on transcript NM_006005.3 (MANE Select); coding-DNA position 1256, T replaced by A.
Protein change: p.Phe419Tyr; replaces phenylalanine 419 with tyrosine.
Molecular consequence: missense variant.
Genome position (GRCh38, 1-based): chr4:6,301,051, T>A. VCF-style: chr4-6301051-T-A. GRCh37 (hg19) VCF-style: chr4-6302778-T-A.
Other names: c.1256T>A, p.Phe419Tyr (NM_001145853.1); short protein forms F419Y.
Identifiers: ClinVar variation 4881000 (VCV004881000.2).
Genomic context (GRCh38, chr4:6,301,051, plus strand): 5'-GGAACCACCTGGAGCCCTATGCCCATTTCCTGCTCTCTGTCTTCTTCGTCATCTTCTCCT[T>A]CCCCATCGCCAGCAAGGACTGCATCCCCTGCTCGGAGCTGGCTGTCATCACCGGCTTCTT-3'
Protein context (NP_005996.2, residues 409-429): LLSVFFVIFS[Phe419Tyr]PIASKDCIPC

ClinVar aggregate classification (germline): Uncertain significance (1 of 4 stars; one submission).

Submission:

Dasa
Classification: Uncertain significance. Last evaluated: 2026-02-13. Review status: criteria provided, single submitter. Criteria: DASA Assertion Criteria. Collection method: clinical testing. Allele origin: germline.
Comment: NM_006005.3(WFS1):c.1256T>A (p.Phe419Tyr) is a missense variant that results in the substitution of phenylalanine with tyrosine. This variant is rare in population databases. Computational prediction algorithms are consistent with a deleterious effect. The currently available literature and clinical evidence are not sufficient to establish a definitive association between this variant and the reported condition. Therefore, this variant is classified as a variant of uncertain significance.